The following is an entry in ClinVar:

ClinVar aggregate classification (germline): Benign/Likely benign. Review status: criteria provided, multiple submitters, no conflicts (2 of 4 stars). 2 submissions from 2 submitters: Benign (1); Likely benign (1). Last evaluated 2026-09-23.

Conditions:
Huntington disease (HD). Also called: Huntington's chorea; Huntington's disease; HUNTINGTON CHOREA. Identifiers: Orphanet 248111, Orphanet 399, MedGen C0020179, MONDO:0007739, OMIM 143100.

Submissions (2):

Department Of Human Genetics, Institute Of Clinical And Translational Research, Biomedical Research Center, Slovak Academy Of Sciences
Classification: Benign for Huntington disease. Last evaluated: 2026-09-23. Review status: criteria provided, single submitter. Criteria: ACMG Guidelines for Huntington disease, 2014. Collection method: research. Allele origin: germline. Inheritance: Autosomal dominant inheritance.
Comment: The NC_000004.12.g.3074878_3074940AGC[16]AAC[1]AGC[1] allele represents a complex trinucleotide repeat sequence in the HTT (huntingtin) gene. The repeat tract consists of 16 consecutive AGC repeats, followed by one AAC repeat and one additional AGC repeat. This sequence corresponds to 16 uninterrupted glutamine-encoding units or 18 interrupted glutamine-encoding repeat units (this count the AAC interruption and the additional AGC to the total number of repeats on the DNA level, while all resulting in glutamine residues at the protein level). Huntington disease (HD) is an autosomal dominant neurodegenerative disorder caused by an expansion of the CAG trinucleotide repeat in exon 1 of the HTT gene. HTT alleles containing 26 or fewer CAG repeats are considered within the normal range, whereas alleles containing 27–35 repeats are classified as intermediate/premutation, 36-39 repeats as reduced-penetrance pathogenic alleles, and 40 or more repeats as full-penetrance pathogenic alleles. This allele falls into the benign range both when considering the 16 uninterrupted as well as the 18 interrupted glutamine-encoding repeats. The allele reached 2.46% frequency in the general population of Slovakia (in 609 genotyped alleles).

Blueprint Genetics
Classification: Likely benign. Last evaluated: 2024-11-26. Review status: criteria provided, single submitter. Criteria: ACMG Guidelines, 2015. Collection method: clinical testing. Allele origin: germline.

NC_000004.12:g.3074878_3074940AGC[16]AAC[1]AGC[1]

Genes: HTT (huntingtin; plus strand), LOC109461479 (huntingtin repeat instability region; plus strand), LOC129929027 (ATAC-STARR-seq lymphoblastoid silent region 15199; plus strand). Cytogenetic location: 4p16.3.
Variant type: Microsatellite.
Genome position: GRCh38 VCF-style: chr4-3074876-CCAGCAGCAG-C. GRCh37 (hg19) VCF-style: chr4-3076603-CCAGCAGCAG-C.
Other names: c.54GCA[18], p.Gln38del (NM_001388492.1); c.54GCA[18], p.Gln38_Gln40del (NM_002111.8); short protein forms Q38del.
Identifiers: ClinVar variation 4966111 (VCV004966111.2).
Genomic context (GRCh38, chr4:3,074,876, plus strand): 5'-GGAGACCGCCATGGCGACCCTGGAAAAGCTGATGAAGGCCTTCGAGTCCCTCAAGTCCTT[CCAGCAGCAG>C]CAGCAGCAGCAGCAGCAGCAGCAGCAGCAGCAGCAGCAGCAGCAGCAGCAACAGCCGCCA-3'